The following is an entry in ClinVar:

NM_018668.5(VPS33B):c.1534G>A (p.Val512Ile)

Gene: VPS33B (VPS33B late endosome and lysosome associated; minus strand). Cytogenetic location: 15q26.1.
Variant type: single nucleotide variant.
Coding change: c.1534G>A on transcript NM_018668.5 (MANE Select); coding-DNA position 1534, G replaced by A.
Protein change: p.Val512Ile; replaces valine 512 with isoleucine.
Molecular consequence: missense variant.
Genome position (GRCh38, 1-based): chr15:91,000,537, C>T on the plus strand (G>A on the coding strand, the complement: VPS33B is on the minus strand). VCF-style: chr15-91000537-C-T. GRCh37 (hg19) VCF-style: chr15-91543767-C-T.
Other names: c.1453G>A, p.Val485Ile (NM_001289148.1); c.1261G>A, p.Val421Ile (NM_001289149.1); c.1534G>A (NM_018668.3); short protein forms V512I, V421I, V485I.
Identifiers: ClinVar variation 595275 (VCV000595275.6), dbSNP rs768250541, ClinGen allele CA7744604.

ClinVar aggregate classification (germline): Uncertain significance. Review status: criteria provided, multiple submitters, no conflicts (2 of 4 stars). 2 submissions from 2 submitters: Uncertain significance (2). Last evaluated 2022-11-22.

Allele frequency attached by ClinVar (database versions not stated): gnomAD 0.00002; TOPMed 0.00002; gnomAD exomes 0.00004 and 0.00009; ExAC 0.00008.

Submissions (2):

GeneDx
Classification: Uncertain significance. Last evaluated: 2022-11-22. Review status: criteria provided, single submitter. Criteria: GeneDx Variant Classification Process June 2021. Collection method: clinical testing. Allele origin: germline. Affected: yes.
Comment: Has not been previously published as pathogenic or benign to our knowledge; In silico analysis supports that this missense variant does not alter protein structure/function

Eurofins Ntd Llc (ga)
Classification: Uncertain significance. Last evaluated: 2017-12-06. Review status: criteria provided, single submitter. Criteria: EGL Classification Definitions 2015. Collection method: clinical testing. Allele origin: germline. Observed: 1 variant allele, 1 heterozygote.